The following is an entry in ClinVar:

ClinVar aggregate classification (germline): Uncertain significance (1 of 4 stars; one submission).

Conditions:
Leukodystrophy, hypomyelinating, 7, with or without oligodontia and/or hypogonadotropic hypogonadism (HLD7). Also called: LEUKOENCEPHALOPATHY, HYPOMYELINATING, WITH ATAXIA AND DELAYED DENTITION; ATAXIA, DELAYED DENTITION, AND HYPOMYELINATION; LEUKODYSTROPHY, HYPOMYELINATING, 7, WITH OLIGODONTIA; LEUKODYSTROPHY, HYPOMYELINATING, 7, WITH OLIGODONTIA AND HYPOGONADOTROPIC HYPOGONADISM; LEUKODYSTROPHY, HYPOMYELINATING, 7, WITHOUT OLIGODONTIA OR HYPOGONADOTROPIC HYPOGONADISM; Ataxia, Delayed Dentition and Hypomyelination (ADDH). Identifiers: Orphanet 137639, Orphanet 447893, Orphanet 447896, Orphanet 77295, Orphanet 88637, MedGen CN034185, MONDO:0011897, OMIM 607694.

Submission:

Molecular Diagnostics Lab, Nemours Children's Health, Delaware
Classification: Uncertain significance for Leukodystrophy, hypomyelinating, 7, with or without oligodontia and/or hypogonadotropic hypogonadism. Last evaluated: 2020-12-16. Review status: criteria provided, single submitter. Criteria: ACMG Guidelines, 2015. Collection method: clinical testing. Allele origin: unknown. Inheritance: Autosomal recessive inheritance. Affected: no. Observed: 3 heterozygotes.
Comment: This missense variant (c.33826G>A, p.Val1276Met) has not been observed in population databases (gnomAD) and the change has not been reported in the literature. No functional studies have been published.

NM_007055.4(POLR3A):c.3826G>A (p.Val1276Met)

Gene: POLR3A (RNA polymerase III subunit A; minus strand). Cytogenetic location: 10q22.3.
Variant type: single nucleotide variant.
Coding change: c.3826G>A on transcript NM_007055.4 (MANE Select); coding-DNA position 3826, G replaced by A.
Protein change: p.Val1276Met; replaces valine 1276 with methionine.
Molecular consequence: missense variant.
Genome position (GRCh38, 1-based): chr10:77,981,493, C>T on the plus strand (G>A on the coding strand, the complement: POLR3A is on the minus strand). VCF-style: chr10-77981493-C-T. GRCh37 (hg19) VCF-style: chr10-79741251-C-T.
Other names: short protein forms V1276M.
Identifiers: ClinVar variation 3338028 (VCV003338028.2).